The following is an entry in ClinVar:

ClinVar aggregate classification (germline): Uncertain significance. Review status: criteria provided, multiple submitters, no conflicts (2 of 4 stars). 2 submissions from 2 submitters: Uncertain significance (2). Last evaluated 2026-06-12.

Conditions:
Inborn genetic diseases. Identifiers: MedGen C0950123, MeSH D030342.
Baller-Gerold syndrome (BGS). Also called: CRANIOSYNOSTOSIS WITH RADIAL DEFECTS. Identifiers: Orphanet 1225, MedGen C0265308, MONDO:0009039, OMIM 218600.

Submissions (2):

Ambry Genetics
Classification: Uncertain significance for Inborn genetic diseases. Last evaluated: 2026-06-12. Review status: criteria provided, single submitter. Criteria: Ambry Variant Classification Scheme 2023. Collection method: clinical testing. Allele origin: germline.
Comment: The p.L117Q variant (also known as c.350T>A), located in coding exon 4 of the RECQL4 gene, results from a T to A substitution at nucleotide position 350. The leucine at codon 117 is replaced by glutamine, an amino acid with dissimilar properties. This amino acid position is conserved. In addition, this alteration is predicted to be tolerated by in silico analysis. Based on the available evidence, the clinical significance of this variant remains unclear.

Labcorp Genetics (formerly Invitae), Labcorp
Classification: Uncertain significance for Baller-Gerold syndrome. Last evaluated: 2020-02-02. Review status: criteria provided, single submitter. Criteria: Invitae Variant Classification Sherloc (09022015). Collection method: clinical testing. Allele origin: germline.
Comment: In summary, the available evidence is currently insufficient to determine the role of this variant in disease. Therefore, it has been classified as a Variant of Uncertain Significance. Experimental studies and prediction algorithms are not available or were not evaluated, and the functional significance of this variant is currently unknown. This variant has not been reported in the literature in individuals with RECQL4-related conditions. This variant is not present in population databases (ExAC no frequency). This sequence change replaces leucine with glutamine at codon 117 of the RECQL4 protein (p.Leu117Gln). The leucine residue is moderately conserved and there is a moderate physicochemical difference between leucine and glutamine.

NM_004260.4(RECQL4):c.350T>A (p.Leu117Gln)

Gene: RECQL4 (RecQ like helicase 4; minus strand). Cytogenetic location: 8q24.3.
Variant type: single nucleotide variant.
Coding change: c.350T>A on transcript NM_004260.4 (MANE Select); coding-DNA position 350, T replaced by A.
Protein change: p.Leu117Gln; replaces leucine 117 with glutamine.
Molecular consequence: missense variant.
Genome position (GRCh38, 1-based): chr8:144,517,054, A>T on the plus strand (T>A on the coding strand, the complement: RECQL4 is on the minus strand). VCF-style: chr8-144517054-A-T. GRCh37 (hg19) VCF-style: chr8-145742438-A-T.
Other names: c.350T>A (NM_004260.3); short protein forms L117Q.
Identifiers: ClinVar variation 1016444 (VCV001016444.4), dbSNP rs1815218756, ClinGen allele CA372691891.
Genomic context (GRCh38, chr8:144,517,054, plus strand): 5'-CCGGACCGGAAGCAGCTGTGGACCTAGCGTGGACTCACTGCCTGCCCACTCCTCACCTGC[A>T]GGGTGCCTTTCAGATTGGCCTTGAGCCGCTGCCCGTAGTCCGGCACCGAGCCCTGGCGGC-3'
Protein context (NP_004251.4, residues 107-127): QRLKANLKGT[Leu117Gln]QAGPALGRRP